The following is an entry in ClinVar:

ClinVar aggregate classification (germline): Uncertain significance (1 of 4 stars; one submission).

Allele frequency attached by ClinVar (database versions not stated): gnomAD exomes below 0.00001.
gnomAD v4.1: 1 of 1,611,726 alleles (0.000062%); highest among the groups gnomAD compares: Non-Finnish European, 0.000085%; no homozygotes.

Submission:

Ambry Genetics
Classification: Uncertain significance. Last evaluated: 2022-05-20. Review status: criteria provided, single submitter. Criteria: Ambry Variant Classification Scheme 2023. Collection method: clinical testing. Allele origin: germline.
Comment: The p.A370S variant (also known as c.1108G>T), located in coding exon 11 of the PRKDC gene, results from a G to T substitution at nucleotide position 1108. The alanine at codon 370 is replaced by serine, an amino acid with similar properties. This amino acid position is conserved. In addition, the in silico prediction for this alteration is inconclusive. Since supporting evidence is limited at this time, the clinical significance of this alteration remains unclear.

NM_006904.7(PRKDC):c.1108G>T (p.Ala370Ser)

Gene: PRKDC (protein kinase, DNA-activated, catalytic subunit; minus strand). Cytogenetic location: 8q11.21.
Variant type: single nucleotide variant.
Coding change: c.1108G>T on transcript NM_006904.7 (MANE Select); coding-DNA position 1108, G replaced by T.
Protein change: p.Ala370Ser; replaces alanine 370 with serine.
Molecular consequence: missense variant.
Genome position (GRCh38, 1-based): chr8:47,939,556, C>A on the plus strand (G>T on the coding strand, the complement: PRKDC is on the minus strand). VCF-style: chr8-47939556-C-A. GRCh37 (hg19) VCF-style: chr8-48852116-C-A.
Other names: c.1108G>T, p.Ala370Ser (NM_001081640.2); short protein forms A370S.
Identifiers: ClinVar variation 1794365 (VCV001794365.2), dbSNP rs2551880119, ClinGen allele CA371166552.